The following is an entry in ClinVar:

ClinVar aggregate classification (germline): Likely pathogenic. Review status: criteria provided, multiple submitters, no conflicts (2 of 4 stars). 3 submissions from 3 submitters: Likely pathogenic (2). 1 of the submissions does not count toward it. Last evaluated 2025-11-11.

Conditions:
Neurodevelopmental disorder. Identifiers: MedGen C1535926, MeSH D065886, MONDO:0700092.
Neurodevelopmental disorder with hypotonia and speech delay, with or without seizures (NEDHSS). Identifiers: MedGen C5830654, MONDO:0957541, OMIM 620455.

Submissions (3):

Clinical Genetics Laboratory, University Hospital Schleswig-Holstein
Classification: Likely pathogenic for Neurodevelopmental disorder with hypotonia and speech delay, with or without seizures. Last evaluated: 2025-11-11. Review status: criteria provided, single submitter. Criteria: ACMG Guidelines, 2015. Collection method: clinical testing. Allele origin: germline. Affected: yes. Observed: 1 heterozygote.
Comment: ACMG criteria applied: PM2, PS4_Supporting, PS2_Supporting, PVS1_Moderate

GeneDx
Classification: Likely pathogenic. Last evaluated: 2023-02-02. Review status: criteria provided, single submitter. Criteria: GeneDx Variant Classification Process June 2021. Collection method: clinical testing. Allele origin: germline. Affected: yes.
Comment: Not observed in large population cohorts (gnomAD); Frameshift variant predicted to result in protein truncation or nonsense mediated decay in a gene for which loss-of-function is not a known mechanism of disease; This variant is associated with the following publications: (PMID: 36528028)

Gene Discovery Core-Manton Center, Boston Children's Hospital
Classification: Likely pathogenic for Neurodevelopmental disorder. Review status: no assertion criteria provided. Collection method: clinical testing. Allele origin: de novo. Affected: yes. Observed: 1 variant allele. Not counted in ClinVar's aggregate classification.

NM_001967.4(EIF4A2):c.131_132del (p.Leu44fs)

Gene: EIF4A2 (eukaryotic translation initiation factor 4A2; plus strand). Cytogenetic location: 3q27.3.
Variant type: Microsatellite.
Coding change: c.131_132del on transcript NM_001967.4 (MANE Select); coding-DNA positions 131 to 132, 2 bases deleted (TC; older notation c.131_132delTC).
Protein change: p.Leu44fs; shifts the reading frame from leucine 44.
Molecular consequence: frameshift variant.
Genome position (GRCh38, 1-based): chr3:186,784,619-186,784,620, TC deleted; deleting any 2 consecutive bases within chr3:186,784,615-186,784,620 gives the same sequence; the c. name uses the placement nearest the transcript's 3' end. VCF-style (leftmost placement, unchanged base first): chr3-186784614-GTC-G. GRCh37 (hg19) VCF-style: chr3-186502403-GTC-G.
Other names: c.131_132delTC (NM_001967.3); c.131_132del (NM_001967.3); short protein forms L44fs.
Identifiers: ClinVar variation 1712516 (VCV001712516.3), dbSNP rs2473961744, ClinGen allele CA2580616021.